The following is an entry in ClinVar:

ClinVar aggregate classification (germline): Uncertain significance (1 of 4 stars; one submission).

Submission:

GeneDx
Classification: Uncertain significance. Last evaluated: 2022-10-05. Review status: criteria provided, single submitter. Criteria: GeneDx Variant Classification Process June 2021. Collection method: clinical testing. Allele origin: germline. Affected: yes.
Comment: Not observed at significant frequency in large population cohorts (gnomAD); Missense variants in this gene are often considered pathogenic (HGMD); In silico analysis supports that this missense variant has a deleterious effect on splicing and on protein structure/function; Has not been previously published as pathogenic or benign to our knowledge; This substitution is predicted to be in the Cytoplasmic loop between the second and third homologous domains

NM_001330260.2(SCN8A):c.3239A>G (p.Asp1080Gly)

Gene: SCN8A (sodium voltage-gated channel alpha subunit 8; plus strand). Cytogenetic location: 12q13.13.
Variant type: single nucleotide variant.
Coding change: c.3239A>G on transcript NM_001330260.2 (MANE Select); coding-DNA position 3239, A replaced by G.
Protein change: p.Asp1080Gly; replaces aspartic acid 1080 with glycine.
Molecular consequence: missense variant.
Genome position (GRCh38, 1-based): chr12:51,769,202, A>G. VCF-style: chr12-51769202-A-G. GRCh37 (hg19) VCF-style: chr12-52162986-A-G.
Other names: c.3239A>G, p.Asp1080Gly (NM_001177984.3, NM_001369788.1, NM_014191.4); short protein forms D1080G.
Identifiers: ClinVar variation 2498021 (VCV002498021.1), dbSNP rs2540267010, ClinGen allele CA384893152.